The following is an entry in ClinVar:

ClinVar aggregate classification (germline): Uncertain significance (1 of 4 stars; one submission).

Allele frequency attached by ClinVar (database versions not stated): gnomAD 0.00001; TOPMed 0.00001.
gnomAD v4.1: 1 of 1,613,988 alleles (0.000062%); highest among the groups gnomAD compares: Admixed American, 0.0017%; no homozygotes.

Submission:

Labcorp Genetics (formerly Invitae), Labcorp
Classification: Uncertain significance. Last evaluated: 2022-07-11. Review status: criteria provided, single submitter. Criteria: Invitae Variant Classification Sherloc (09022015). Collection method: clinical testing. Allele origin: germline.
Comment: Algorithms developed to predict the effect of missense changes on protein structure and function (SIFT, PolyPhen-2, Align-GVGD) all suggest that this variant is likely to be tolerated. In summary, the available evidence is currently insufficient to determine the role of this variant in disease. Therefore, it has been classified as a Variant of Uncertain Significance. ClinVar contains an entry for this variant (Variation ID: 1363870). This variant has not been reported in the literature in individuals affected with TRPM1-related conditions. This variant is not present in population databases (gnomAD no frequency). This sequence change replaces threonine, which is neutral and polar, with serine, which is neutral and polar, at codon 413 of the TRPM1 protein (p.Thr413Ser).

NM_001252024.2(TRPM1):c.1303A>T (p.Thr435Ser)

Gene: TRPM1 (transient receptor potential cation channel subfamily M member 1; minus strand). Cytogenetic location: 15q13.3.
Variant type: single nucleotide variant.
Coding change: c.1303A>T on transcript NM_001252024.2 (MANE Select); coding-DNA position 1303, A replaced by T.
Protein change: p.Thr435Ser; replaces threonine 435 with serine.
Molecular consequence: missense variant.
Genome position (GRCh38, 1-based): chr15:31,050,543, T>A on the plus strand (A>T on the coding strand, the complement: TRPM1 is on the minus strand). VCF-style: chr15-31050543-T-A. GRCh37 (hg19) VCF-style: chr15-31342746-T-A.
Other names: c.1354A>T, p.Thr452Ser (NM_001252020.2); c.1237A>T, p.Thr413Ser (NM_002420.6); short protein forms T435S, T413S, T452S.
Identifiers: ClinVar variation 1363870 (VCV001363870.6), dbSNP rs2033919370, ClinGen allele CA391518532.